The following is an entry in ClinVar:

ClinVar aggregate classification (germline): Uncertain significance. Review status: criteria provided, multiple submitters, no conflicts (2 of 4 stars). 2 submissions from 2 submitters: Uncertain significance (2). Last evaluated 2026-08-19.

Conditions:
Familial thoracic aortic aneurysm and aortic dissection (TAAD). Also called: Thoracic aortic aneurysms and dissections. Identifiers: Orphanet 91387, MedGen C4707243, MONDO:0019625.

Submissions (2):

Ambry Genetics
Classification: Uncertain significance for Familial thoracic aortic aneurysm and aortic dissection. Last evaluated: 2026-08-19. Review status: criteria provided, single submitter. Criteria: Ambry Variant Classification Scheme 2023. Collection method: clinical testing. Allele origin: germline.
Comment: The p.R292K variant (also known as c.875G>A), located in coding exon 7 of the SMAD3 gene, results from a G to A substitution at nucleotide position 875. The arginine at codon 292 is replaced by lysine, an amino acid with highly similar properties. This amino acid position is conserved. In addition, this alteration is predicted to be deleterious by in silico analysis. Based on the available evidence, the clinical significance of this variant remains unclear.

Color Diagnostics, LLC DBA Color Health
Classification: Uncertain significance for Familial thoracic aortic aneurysm and aortic dissection. Last evaluated: 2025-09-01. Review status: criteria provided, single submitter. Criteria: ACMG Guidelines, 2015. Collection method: clinical testing. Allele origin: germline.
Comment: This missense variant replaces arginine with lysine at codon 292 of the SMAD3 protein. Computational prediction is inconclusive regarding the impact of this variant on protein structure and function. To our knowledge, functional studies have not been reported for this variant. This variant has not been reported in individuals affected with SMAD3-related disorders in the literature. This variant has not been identified in the general population by the Genome Aggregation Database (gnomAD). The available evidence is insufficient to determine the role of this variant in disease conclusively. Therefore, this variant is classified as a Variant of Uncertain Significance.

NM_005902.4(SMAD3):c.875G>A (p.Arg292Lys)

Gene: SMAD3 (SMAD family member 3; plus strand). Cytogenetic location: 15q22.33.
Variant type: single nucleotide variant.
Coding change: c.875G>A on transcript NM_005902.4 (MANE Select); coding-DNA position 875, G replaced by A.
Protein change: p.Arg292Lys; replaces arginine 292 with lysine.
Molecular consequence: missense variant. On other transcripts: intron variant (1).
Genome position (GRCh38, 1-based): chr15:67,184,730, G>A. VCF-style: chr15-67184730-G-A. GRCh37 (hg19) VCF-style: chr15-67477068-G-A.
Other names: c.428G>A, p.Arg143Lys (NM_001407015.1); c.560G>A, p.Arg187Lys (NM_001407016.1, NM_001145102.2); c.290G>A, p.Arg97Lys (NM_001407017.1, NM_001145104.2); c.872-2635G>A (NM_001407013.1); c.743G>A, p.Arg248Lys (NM_001145103.2, NM_001407012.1); c.875G>A, p.Arg292Lys (NM_001407011.1); c.728G>A, p.Arg243Lys (NM_001407014.1); c.875G>A (NM_005902.3); short protein forms R143K, R187K, R243K, R248K, R292K, R97K.
Identifiers: ClinVar variation 4756187 (VCV004756187.2).